The following is an entry in ClinVar:

NM_003054.6(SLC18A2):c.1539T>A (p.Ser513Arg)

Gene: SLC18A2 (solute carrier family 18 member A2; plus strand). Cytogenetic location: 10q25.3.
Variant type: single nucleotide variant.
Coding change: c.1539T>A on transcript NM_003054.6 (MANE Select); coding-DNA position 1539, T replaced by A.
Protein change: p.Ser513Arg; replaces serine 513 with arginine.
Molecular consequence: missense variant.
Genome position (GRCh38, 1-based): chr10:117,277,260, T>A. VCF-style: chr10-117277260-T-A. GRCh37 (hg19) VCF-style: chr10-119036771-T-A.
Other names: short protein forms S513R.
Identifiers: ClinVar variation 1511369 (VCV001511369.6), dbSNP rs1427375675, ClinGen allele CA378514203.

ClinVar aggregate classification (germline): Uncertain significance (1 of 4 stars; one submission).

Allele frequency attached by ClinVar (database versions not stated): gnomAD exomes below 0.00001.
gnomAD v4.1: 1 of 1,571,968 alleles (0.000064%); highest among the groups gnomAD compares: Admixed American, 0.0017%; no homozygotes.

Submission:

Labcorp Genetics (formerly Invitae), Labcorp
Classification: Uncertain significance. Last evaluated: 2022-08-23. Review status: criteria provided, single submitter. Criteria: Invitae Variant Classification Sherloc (09022015). Collection method: clinical testing. Allele origin: germline.
Comment: ClinVar contains an entry for this variant (Variation ID: 1511369). In summary, the available evidence is currently insufficient to determine the role of this variant in disease. Therefore, it has been classified as a Variant of Uncertain Significance. Algorithms developed to predict the effect of missense changes on protein structure and function are either unavailable or do not agree on the potential impact of this missense change (SIFT: "Deleterious"; PolyPhen-2: "Possibly Damaging"; Align-GVGD: "Class C0"). This variant has not been reported in the literature in individuals affected with SLC18A2-related conditions. This variant is present in population databases (no rsID available, gnomAD 0.003%). This sequence change replaces serine, which is neutral and polar, with arginine, which is basic and polar, at codon 513 of the SLC18A2 protein (p.Ser513Arg).